The following is an entry in ClinVar:

ClinVar aggregate classification (germline): Benign (1 of 4 stars; one submission).

Conditions:
Familial cancer of breast. Also called: hereditary breast carcinoma; BREAST CANCER, FAMILIAL; Hereditary breast cancer. Identifiers: Orphanet 227535, MedGen C0346153, MONDO:0016419, OMIM 114480. Disease mechanism: loss of function.

Submission:

Myriad Genetics, Inc.
Classification: Benign for Familial cancer of breast. Last evaluated: 2024-06-03. Review status: criteria provided, single submitter. Criteria: Myriad Autosomal Dominant, Autosomal Recessive and X-Linked Classification Criteria (2023). Collection method: clinical testing. Allele origin: unknown.
Comment: This variant is considered benign. This variant is a silent/synonymous amino acid change and it is not expected to impact splicing.

NM_000051.4(ATM):c.6189A>G (p.Gly2063=)

Genes: ATM (ATM serine/threonine kinase; plus strand), C11orf65 (chromosome 11 open reading frame 65; minus strand). Cytogenetic location: 11q22.3.
Variant type: single nucleotide variant.
Coding change: c.6189A>G on transcript NM_000051.4 (MANE Select); coding-DNA position 6189, A replaced by G.
Protein change: p.Gly2063=; no amino-acid change (glycine 2063 retained).
Molecular consequence: synonymous variant. On other transcripts: intron variant (2).
Genome position (GRCh38, 1-based): chr11:108,316,104, A>G. VCF-style: chr11-108316104-A-G. GRCh37 (hg19) VCF-style: chr11-108186831-A-G.
Other names: c.6189A>G, p.Gly2063= (NM_001351834.2); c.641-7033T>C (NM_001330368.2); c.*39-7033T>C (NM_001351110.2).
Identifiers: ClinVar variation 3253780 (VCV003253780.1), dbSNP rs2547097103.